The following is an entry in ClinVar:

ClinVar aggregate classification (germline): Uncertain significance (1 of 4 stars; one submission).

Conditions:
Hereditary cancer-predisposing syndrome. Also called: Hereditary Cancer Syndrome; Hereditary neoplastic syndrome; Neoplastic Syndromes, Hereditary; Tumor predisposition. Identifiers: Orphanet 140162, MedGen C0027672, MeSH D009386, MONDO:0015356.

Submission:

Ambry Genetics
Classification: Uncertain significance for Hereditary cancer-predisposing syndrome. Last evaluated: 2025-07-12. Review status: criteria provided, single submitter. Criteria: Ambry Variant Classification Scheme 2023. Collection method: clinical testing. Allele origin: germline.
Comment: The p.V588E variant (also known as c.1763T>A), located in coding exon 12 of the CDH1 gene, results from a T to A substitution at nucleotide position 1763. The valine at codon 588 is replaced by glutamic acid, an amino acid with dissimilar properties. This amino acid position is conserved. In addition, the in silico prediction for this alteration is inconclusive. Based on the available evidence, the clinical significance of this variant remains unclear.

NM_004360.5(CDH1):c.1763T>A (p.Val588Glu)

Gene: CDH1 (cadherin 1; plus strand). Cytogenetic location: 16q22.1.
Variant type: single nucleotide variant.
Coding change: c.1763T>A on transcript NM_004360.5 (MANE Select); coding-DNA position 1763, T replaced by A.
Protein change: p.Val588Glu; replaces valine 588 with glutamic acid.
Molecular consequence: missense variant. On other transcripts: 5 prime UTR variant (1).
Genome position (GRCh38, 1-based): chr16:68,822,052, T>A. VCF-style: chr16-68822052-T-A. GRCh37 (hg19) VCF-style: chr16-68855955-T-A.
Other names: c.1580T>A, p.Val527Glu (NM_001317184.2); c.215T>A, p.Val72Glu (NM_001317185.2); c.-203T>A (NM_001317186.2); short protein forms V527E, V72E, V588E.
Identifiers: ClinVar variation 4223601 (VCV004223601.1).
Genomic context (GRCh38, chr16:68,822,052, plus strand): 5'-TTCTCTTAGGTTCTCCAGTTGCTACTGGAACAGGGACACTTCTGCTGATCCTGTCTGATG[T>A]GAATGACAACGCCCCCATACCAGAACCTCGAACTATATTCTTCTGTGAGAGGAATCCAAA-3'
Protein context (NP_004351.1, residues 578-598): TGTLLLILSD[Val588Glu]NDNAPIPEPR